The following is an entry in ClinVar:

ClinVar aggregate classification (germline): Uncertain significance (1 of 4 stars; one submission).

Submission:

Labcorp Genetics (formerly Invitae), Labcorp
Classification: Uncertain significance. Last evaluated: 2025-05-19. Review status: criteria provided, single submitter. Criteria: Invitae Variant Classification Sherloc (09022015). Collection method: clinical testing. Allele origin: germline.
Comment: This sequence change replaces valine, which is neutral and non-polar, with methionine, which is neutral and non-polar, at codon 712 of the TCIRG1 protein (p.Val712Met). This variant is present in population databases (no rsID available, gnomAD 0.003%). This variant has not been reported in the literature in individuals affected with TCIRG1-related conditions. ClinVar contains an entry for this variant (Variation ID: 3725825). Invitae Evidence Modeling of protein sequence and biophysical properties (such as structural, functional, and spatial information, amino acid conservation, physicochemical variation, residue mobility, and thermodynamic stability) indicates that this missense variant is not expected to disrupt TCIRG1 protein function with a negative predictive value of 80%. In summary, the available evidence is currently insufficient to determine the role of this variant in disease. Therefore, it has been classified as a Variant of Uncertain Significance.

NM_006019.4(TCIRG1):c.2134G>A (p.Val712Met)

Gene: TCIRG1 (T cell immune regulator 1, ATPase H+ transporting V0 subunit a3; plus strand). Cytogenetic location: 11q13.2.
Variant type: single nucleotide variant.
Coding change: c.2134G>A on transcript NM_006019.4 (MANE Select); coding-DNA position 2134, G replaced by A.
Protein change: p.Val712Met; replaces valine 712 with methionine.
Molecular consequence: missense variant.
Genome position (GRCh38, 1-based): chr11:68,050,152, G>A. VCF-style: chr11-68050152-G-A. GRCh37 (hg19) VCF-style: chr11-67817619-G-A.
Other names: c.1240G>A, p.Val414Met (NM_001351059.2); c.1486G>A, p.Val496Met (NM_006053.4); short protein forms V496M, V414M, V712M.
Identifiers: ClinVar variation 3725825 (VCV003725825.2).
Genomic context (GRCh38, chr11:68,050,152, plus strand): 5'-GGGACGGCTGAGGCCCTGCCGGCCCTCACTGCACCCGCCCCGCAGCTCGTCCCCTCCGAG[G>A]TGCTCATGCACCAGGCCATCCACACCATCGAGTTCTGCCTGGGCTGCGTCTCCAACACCG-3'
Protein context (NP_006010.2, residues 702-722): EEEAELVPSE[Val712Met]LMHQAIHTIE